The following is an entry in ClinVar:

NM_002187.3(IL12B):c.823G>A (p.Val275Ile)

Gene: IL12B (interleukin 12B; minus strand). Cytogenetic location: 5q33.3.
Variant type: single nucleotide variant.
Coding change: c.823G>A on transcript NM_002187.3 (MANE Select); coding-DNA position 823, G replaced by A.
Protein change: p.Val275Ile; replaces valine 275 with isoleucine.
Molecular consequence: missense variant.
Genome position (GRCh38, 1-based): chr5:159,318,768, C>T on the plus strand (G>A on the coding strand, the complement: IL12B is on the minus strand). VCF-style: chr5-159318768-C-T. GRCh37 (hg19) VCF-style: chr5-158745776-C-T.
Other names: short protein forms V275I.
Identifiers: ClinVar variation 839869 (VCV000839869.5), dbSNP rs189324104, ClinGen allele CA3538712.

ClinVar aggregate classification (germline): Conflicting classifications of pathogenicity. Review status: criteria provided, conflicting classifications (1 of 4 stars). 2 submissions from 2 submitters: Uncertain significance (1); Likely benign (1). Last evaluated 2024-10-07.

Conditions:
Mendelian susceptibility to mycobacterial diseases due to complete IL12B deficiency. Also called: Immunodeficiency 29; IL12B DEFICIENCY. Identifiers: Orphanet 319558, MedGen C4013948, MONDO:0013954, OMIM 614890.

Allele frequency attached by ClinVar (database versions not stated): TOPMed 0.00012; ExAC 0.00017; gnomAD 0.00017; 1000 Genomes Project 0.00020; gnomAD exomes 0.00023; 1000 Genomes Project 30x 0.00031.
gnomAD v4.1: 140 of 1,614,128 alleles (0.0087%); highest among the groups gnomAD compares: Admixed American, 0.077%; no homozygotes.

Submissions (2):

Blueprint Genetics
Classification: Likely benign. Last evaluated: 2024-10-07. Review status: criteria provided, single submitter. Criteria: ACMG Guidelines, 2015. Collection method: clinical testing. Allele origin: germline.

Labcorp Genetics (formerly Invitae), Labcorp
Classification: Uncertain significance for Mendelian susceptibility to mycobacterial diseases due to complete IL12B deficiency. Last evaluated: 2022-08-06. Review status: criteria provided, single submitter. Criteria: Invitae Variant Classification Sherloc (09022015). Collection method: clinical testing. Allele origin: germline.
Comment: This sequence change replaces valine, which is neutral and non-polar, with isoleucine, which is neutral and non-polar, at codon 275 of the IL12B protein (p.Val275Ile). This variant is present in population databases (rs189324104, gnomAD 0.1%). This variant has not been reported in the literature in individuals affected with IL12B-related conditions. ClinVar contains an entry for this variant (Variation ID: 839869). Algorithms developed to predict the effect of missense changes on protein structure and function output the following: SIFT: "Tolerated"; PolyPhen-2: "Benign"; Align-GVGD: "Class C0". The isoleucine amino acid residue is found in multiple mammalian species, which suggests that this missense change does not adversely affect protein function. In summary, the available evidence is currently insufficient to determine the role of this variant in disease. Therefore, it has been classified as a Variant of Uncertain Significance.